The following is an entry in ClinVar:

ClinVar aggregate classification (germline): Uncertain significance (1 of 4 stars; one submission).

Submission:

Ambry Genetics
Classification: Uncertain significance. Last evaluated: 2026-02-19. Review status: criteria provided, single submitter. Criteria: Ambry Variant Classification Scheme 2023. Collection method: clinical testing. Allele origin: germline.
Comment: The p.V205M variant (also known as c.613G>A), located in coding exon 5 of the RNF43 gene, results from a G to A substitution at nucleotide position 613. The valine at codon 205 is replaced by methionine, an amino acid with highly similar properties. This amino acid position is conserved. In addition, this alteration is predicted to be tolerated by in silico analysis. Based on the available evidence, the clinical significance of this variant remains unclear.

NM_017763.6(RNF43):c.613G>A (p.Val205Met)

Gene: RNF43 (ring finger protein 43; minus strand). Cytogenetic location: 17q22.
Variant type: single nucleotide variant.
Coding change: c.613G>A on transcript NM_017763.6 (MANE Select); coding-DNA position 613, G replaced by A.
Protein change: p.Val205Met; replaces valine 205 with methionine.
Molecular consequence: missense variant.
Genome position (GRCh38, 1-based): chr17:58,362,618, C>T on the plus strand (G>A on the coding strand, the complement: RNF43 is on the minus strand). VCF-style: chr17-58362618-C-T. GRCh37 (hg19) VCF-style: chr17-56439979-C-T.
Other names: c.613G>A, p.Val205Met (NM_001305544.3, NM_001438820.1, NM_001438821.1 and 1 more transcripts); c.232G>A, p.Val78Met (NM_001305545.2, NM_001437987.1); short protein forms V205M, V78M.
Identifiers: ClinVar variation 4844785 (VCV004844785.1).